The following is an entry in ClinVar:

ClinVar aggregate classification (germline): Uncertain significance (1 of 4 stars; one submission).

Allele frequency attached by ClinVar (database versions not stated): gnomAD 0.00001; gnomAD exomes 0.00001; ExAC 0.00002; 1000 Genomes Project 30x 0.00016; 1000 Genomes Project 0.00020.
gnomAD v4.1: 10 of 1,614,236 alleles (0.00062%); highest among the groups gnomAD compares: South Asian, 0.0055%; no homozygotes.

Submission:

Labcorp Genetics (formerly Invitae), Labcorp
Classification: Uncertain significance. Last evaluated: 2024-11-11. Review status: criteria provided, single submitter. Criteria: Invitae Variant Classification Sherloc (09022015). Collection method: clinical testing. Allele origin: germline.
Comment: This sequence change replaces valine, which is neutral and non-polar, with isoleucine, which is neutral and non-polar, at codon 113 of the PDZD7 protein (p.Val113Ile). This variant is present in population databases (rs565096078, gnomAD 0.006%). This variant has not been reported in the literature in individuals affected with PDZD7-related conditions. ClinVar contains an entry for this variant (Variation ID: 858472). Invitae Evidence Modeling of protein sequence and biophysical properties (such as structural, functional, and spatial information, amino acid conservation, physicochemical variation, residue mobility, and thermodynamic stability) indicates that this missense variant is not expected to disrupt PDZD7 protein function with a negative predictive value of 80%. In summary, the available evidence is currently insufficient to determine the role of this variant in disease. Therefore, it has been classified as a Variant of Uncertain Significance.

NM_001195263.2(PDZD7):c.337G>A (p.Val113Ile)

Gene: PDZD7 (PDZ domain containing 7; minus strand). Cytogenetic location: 10q24.31.
Variant type: single nucleotide variant.
Coding change: c.337G>A on transcript NM_001195263.2 (MANE Select); coding-DNA position 337, G replaced by A.
Protein change: p.Val113Ile; replaces valine 113 with isoleucine.
Molecular consequence: missense variant.
Genome position (GRCh38, 1-based): chr10:101,023,958, C>T on the plus strand (G>A on the coding strand, the complement: PDZD7 is on the minus strand). VCF-style: chr10-101023958-C-T. GRCh37 (hg19) VCF-style: chr10-102783715-C-T.
Other names: c.337G>A, p.Val113Ile (NM_001351044.2, NM_024895.5); short protein forms V113I.
Identifiers: ClinVar variation 858472 (VCV000858472.8), dbSNP rs565096078, ClinGen allele CA5654437.
Genomic context (GRCh38, chr10:101,023,958, plus strand): 5'-CGTGGACTTCAGCCTGGGGGTTCTGCTTACCTGCACTGCTGCCTTCCTCCACTTTGCTGA[C>T]GAAGATGCCCAGGCCATGCTCTGAGCCCCCGCGCACGCTGAAGCCCAGCCTCCCTGCTGG-3'
Protein context (NP_001182192.1, residues 103-123): GGSEHGLGIF[Val113Ile]SKVEEGSSAE